The following is an entry in ClinVar:

ClinVar aggregate classification (germline): Uncertain significance (1 of 4 stars; one submission).

Conditions:
Hereditary cancer-predisposing syndrome. Also called: Neoplastic Syndromes, Hereditary; Tumor predisposition; Hereditary neoplastic syndrome; Hereditary Cancer Syndrome. Identifiers: Orphanet 140162, MedGen C0027672, MeSH D009386, MONDO:0015356.

Submission:

Ambry Genetics
Classification: Uncertain significance for Hereditary cancer-predisposing syndrome. Last evaluated: 2026-07-07. Review status: criteria provided, single submitter. Criteria: Ambry Variant Classification Scheme 2023. Collection method: clinical testing. Allele origin: germline.
Comment: The p.Y91H variant (also known as c.271T>C), located in coding exon 3 of the RB1 gene, results from a T to C substitution at nucleotide position 271. The tyrosine at codon 91 is replaced by histidine, an amino acid with similar properties. This amino acid position is conserved. In addition, this alteration is predicted to be tolerated by in silico analysis. Based on the available evidence, the clinical significance of this variant remains unclear.

NM_000321.3(RB1):c.271T>C (p.Tyr91His)

Gene: RB1 (RB transcriptional corepressor 1; plus strand). Cytogenetic location: 13q14.2.
Variant type: single nucleotide variant.
Coding change: c.271T>C on transcript NM_000321.3 (MANE Select); coding-DNA position 271, T replaced by C.
Protein change: p.Tyr91His; replaces tyrosine 91 with histidine.
Molecular consequence: missense variant.
Genome position (GRCh38, 1-based): chr13:48,342,605, T>C. VCF-style: chr13-48342605-T-C. GRCh37 (hg19) VCF-style: chr13-48916741-T-C.
Other names: c.271T>C, p.Tyr91His (NM_001407165.1, NM_001407166.1); short protein forms Y91H.
Identifiers: ClinVar variation 5027960 (VCV005027960.1).